The following is an entry in ClinVar:

NM_001134407.3(GRIN2A):c.4118A>C (p.Asp1373Ala)

Gene: GRIN2A (glutamate ionotropic receptor NMDA type subunit 2A; minus strand). Cytogenetic location: 16p13.2.
Variant type: single nucleotide variant.
Coding change: c.4118A>C on transcript NM_001134407.3 (MANE Select); coding-DNA position 4118, A replaced by C.
Protein change: p.Asp1373Ala; replaces aspartic acid 1373 with alanine.
Molecular consequence: missense variant.
Genome position (GRCh38, 1-based): chr16:9,763,426, T>G on the plus strand (A>C on the coding strand, the complement: GRIN2A is on the minus strand). VCF-style: chr16-9763426-T-G. GRCh37 (hg19) VCF-style: chr16-9857283-T-G.
Other names: c.4118A>C, p.Asp1373Ala (NM_000833.5); c.3775A>C, p.Met1259Leu (NM_001134408.2); short protein forms D1373A, M1259L.
Identifiers: ClinVar variation 3637274 (VCV003637274.2).

ClinVar aggregate classification (germline): Uncertain significance (1 of 4 stars; one submission).

Conditions:
Landau-Kleffner syndrome (FESD). Also called: EPILEPSY, FOCAL, WITH SPEECH DISORDER AND WITH OR WITHOUT MENTAL RETARDATION; APHASIA, ACQUIRED, WITH EPILEPSY. Identifiers: Orphanet 1945, Orphanet 725, Orphanet 98818, MedGen C0282512, MONDO:0009509, OMIM 245570.

Submission:

Labcorp Genetics (formerly Invitae), Labcorp
Classification: Uncertain significance for Landau-Kleffner syndrome. Last evaluated: 2024-02-22. Review status: criteria provided, single submitter. Criteria: Invitae Variant Classification Sherloc (09022015). Collection method: clinical testing. Allele origin: germline.
Comment: This sequence change replaces aspartic acid, which is acidic and polar, with alanine, which is neutral and non-polar, at codon 1373 of the GRIN2A protein (p.Asp1373Ala). This variant is not present in population databases (gnomAD no frequency). This variant has not been reported in the literature in individuals affected with GRIN2A-related conditions. Advanced modeling of protein sequence and biophysical properties (such as structural, functional, and spatial information, amino acid conservation, physicochemical variation, residue mobility, and thermodynamic stability) has been performed at Invitae for this missense variant, however the output from this modeling did not meet the statistical confidence thresholds required to predict the impact of this variant on GRIN2A protein function. In summary, the available evidence is currently insufficient to determine the role of this variant in disease. Therefore, it has been classified as a Variant of Uncertain Significance.